The following is an entry in ClinVar:

ClinVar aggregate classification (germline): Uncertain significance (1 of 4 stars; one submission).

Submission:

GeneDx
Classification: Uncertain significance. Last evaluated: 2026-10-09. Review status: criteria provided, single submitter. Criteria: GeneDx Variant Classification Process June 2021. Collection method: clinical testing. Allele origin: germline.
Comment: Not observed at significant frequency in large population cohorts (gnomAD); In silico analysis supports that this missense variant has a deleterious effect on protein structure/function; Has not been previously published as pathogenic or benign to our knowledge

NM_001083619.3(GRIA2):c.2233G>A (p.Gly745Ser)

Gene: GRIA2 (glutamate ionotropic receptor AMPA type subunit 2; plus strand). Cytogenetic location: 4q32.1.
Variant type: single nucleotide variant.
Coding change: c.2233G>A on transcript NM_001083619.3 (MANE Select); coding-DNA position 2233, G replaced by A.
Protein change: p.Gly745Ser; replaces glycine 745 with serine.
Molecular consequence: missense variant.
Genome position (GRCh38, 1-based): chr4:157,360,085, G>A. VCF-style: chr4-157360085-G-A. GRCh37 (hg19) VCF-style: chr4-158281237-G-A.
Other names: c.2233G>A, p.Gly745Ser (NM_000826.6); c.2092G>A, p.Gly698Ser (NM_001083620.3, NM_001379000.3, NM_001379001.3); short protein forms G698S, G745S.
Identifiers: ClinVar variation 2663161 (VCV002663161.2), dbSNP rs2530853390, ClinGen allele CA358650197.
Genomic context (GRCh38, chr4:157,360,085, plus strand): 5'-TTGGAGTCCACGATGAACGAGTACATTGAGCAAAGGAAGCCTTGCGACACCATGAAAGTT[G>A]GTGGAAACCTGGATTCCAAAGGCTATGGCATCGCAACACCTAAAGGATCCTCATTAAGGT-3'
Protein context (NP_001077088.2, residues 735-755): QRKPCDTMKV[Gly745Ser]GNLDSKGYGI